The following is an entry in ClinVar:

NM_031220.4(PITPNM3):c.2702T>A (p.Met901Lys)

Gene: PITPNM3 (PITPNM family member 3; minus strand). Cytogenetic location: 17p13.2.
Variant type: single nucleotide variant.
Coding change: c.2702T>A on transcript NM_031220.4 (MANE Select); coding-DNA position 2702, T replaced by A.
Protein change: p.Met901Lys; replaces methionine 901 with lysine.
Molecular consequence: missense variant.
Genome position (GRCh38, 1-based): chr17:6,455,561, A>T on the plus strand (T>A on the coding strand, the complement: PITPNM3 is on the minus strand). VCF-style: chr17-6455561-A-T. GRCh37 (hg19) VCF-style: chr17-6358881-A-T.
Other names: c.2594T>A, p.Met865Lys (NM_001165966.2); short protein forms M865K, M901K.
Identifiers: ClinVar variation 3630379 (VCV003630379.2).

ClinVar aggregate classification (germline): Uncertain significance (1 of 4 stars; one submission).

Submission:

Labcorp Genetics (formerly Invitae), Labcorp
Classification: Uncertain significance. Last evaluated: 2024-04-22. Review status: criteria provided, single submitter. Criteria: Invitae Variant Classification Sherloc (09022015). Collection method: clinical testing. Allele origin: germline.
Comment: This sequence change replaces methionine, which is neutral and non-polar, with lysine, which is basic and polar, at codon 901 of the PITPNM3 protein (p.Met901Lys). This variant is not present in population databases (gnomAD no frequency). This variant has not been reported in the literature in individuals affected with PITPNM3-related conditions. Advanced modeling of protein sequence and biophysical properties (such as structural, functional, and spatial information, amino acid conservation, physicochemical variation, residue mobility, and thermodynamic stability) performed at Invitae indicates that this missense variant is not expected to disrupt PITPNM3 protein function with a negative predictive value of 80%. In summary, the available evidence is currently insufficient to determine the role of this variant in disease. Therefore, it has been classified as a Variant of Uncertain Significance.